The following is an entry in ClinVar:

ClinVar aggregate classification (germline): Uncertain significance (1 of 4 stars; one submission).

Conditions:
Ataxia-telangiectasia syndrome (AT). Also called: LOUIS-BAR SYNDROME; Cerebello-oculocutaneous telangiectasia; Immunodeficiency with ataxia telangiectasia; Ataxia-telangiectasia, complementation group D; AT, COMPLEMENTATION GROUP C; Ataxia-telangiectasia, complementation group E. Identifiers: Orphanet 100, MedGen C0004135, MONDO:0008840, OMIM 208900.

Allele frequency attached by ClinVar (database versions not stated): gnomAD exomes below 0.00001.
gnomAD v4.1: 1 of 1,614,112 alleles (0.000062%); highest among the groups gnomAD compares: Non-Finnish European, 0.000085%; no homozygotes.

Submission:

Labcorp Genetics (formerly Invitae), Labcorp
Classification: Uncertain significance for Ataxia-telangiectasia syndrome. Last evaluated: 2022-11-01. Review status: criteria provided, single submitter. Criteria: Invitae Variant Classification Sherloc (09022015). Collection method: clinical testing. Allele origin: germline.
Comment: This variant has not been reported in the literature in individuals affected with ATM-related conditions. This variant is not present in population databases (gnomAD no frequency). This sequence change replaces phenylalanine, which is neutral and non-polar, with leucine, which is neutral and non-polar, at codon 2393 of the ATM protein (p.Phe2393Leu). In summary, the available evidence is currently insufficient to determine the role of this variant in disease. Therefore, it has been classified as a Variant of Uncertain Significance. Algorithms developed to predict the effect of missense changes on protein structure and function are either unavailable or do not agree on the potential impact of this missense change (SIFT: "Deleterious"; PolyPhen-2: "Probably Damaging"; Align-GVGD: "Class C15"). ClinVar contains an entry for this variant (Variation ID: 407611).

NM_000051.4(ATM):c.7179T>G (p.Phe2393Leu)

Genes: ATM (ATM serine/threonine kinase; plus strand), C11orf65 (chromosome 11 open reading frame 65; minus strand). Cytogenetic location: 11q22.3.
Variant type: single nucleotide variant.
Coding change: c.7179T>G on transcript NM_000051.4 (MANE Select); coding-DNA position 7179, T replaced by G.
Protein change: p.Phe2393Leu; replaces phenylalanine 2393 with leucine.
Molecular consequence: missense variant. On other transcripts: intron variant (2).
Genome position (GRCh38, 1-based): chr11:108,329,110, T>G. VCF-style: chr11-108329110-T-G. GRCh37 (hg19) VCF-style: chr11-108199837-T-G.
Other names: c.7179T>G, p.Phe2393Leu (NM_001351834.2); c.641-20039A>C (NM_001330368.2); c.*38+6110A>C (NM_001351110.2); short protein forms F2393L.
Identifiers: ClinVar variation 407611 (VCV000407611.11), dbSNP rs1057520430, ClinGen allele CA16613200.